The following is an entry in ClinVar:

NM_021008.4(DEAF1):c.253G>C (p.Gly85Arg)

Gene: DEAF1 (DEAF1 transcription factor; minus strand). Cytogenetic location: 11p15.5.
Variant type: single nucleotide variant.
Coding change: c.253G>C on transcript NM_021008.4 (MANE Select); coding-DNA position 253, G replaced by C.
Protein change: p.Gly85Arg; replaces glycine 85 with arginine.
Molecular consequence: missense variant. On other transcripts: intron variant (1).
Genome position (GRCh38, 1-based): chr11:694,795, C>G on the plus strand (G>C on the coding strand, the complement: DEAF1 is on the minus strand). VCF-style: chr11-694795-C-G. GRCh37 (hg19) VCF-style: chr11-694795-C-G.
Other names: c.253G>C, p.Gly85Arg (NM_001293634.2); c.-437-3197G>C (NM_001367390.1); short protein forms G85R.
Identifiers: ClinVar variation 1488371 (VCV001488371.6), dbSNP rs1708369497, ClinGen allele CA378939065.
Genomic context (GRCh38, chr11:694,795, plus strand): 5'-CGAGAGGCCGGCGGGCGCACTTGCCTGCGAAGGCTGCGGCAGCGGCGGCCTCGTCGGGGC[C>G]GGGCAGGGCCTCGGCGCCCATGTCCATGTGCCCGGGCTCCGCCGCCATCACCGCCACTGC-3'
Protein context (NP_066288.2, residues 75-95): HMDMGAEALP[Gly85Arg]PDEAAAAAAF

ClinVar aggregate classification (germline): Uncertain significance (1 of 4 stars; one submission).

gnomAD v4.1: 6 of 1,376,950 alleles (0.00044%); highest among the groups gnomAD compares: Non-Finnish European, 0.00056%; no homozygotes.

Submission:

Labcorp Genetics (formerly Invitae), Labcorp
Classification: Uncertain significance. Last evaluated: 2025-02-12. Review status: criteria provided, single submitter. Criteria: Invitae Variant Classification Sherloc (09022015). Collection method: clinical testing. Allele origin: germline.
Comment: This sequence change replaces glycine, which is neutral and non-polar, with arginine, which is basic and polar, at codon 85 of the DEAF1 protein (p.Gly85Arg). This variant is not present in population databases (gnomAD no frequency). This variant has not been reported in the literature in individuals affected with DEAF1-related conditions. ClinVar contains an entry for this variant (Variation ID: 1488371). Invitae Evidence Modeling of protein sequence and biophysical properties (such as structural, functional, and spatial information, amino acid conservation, physicochemical variation, residue mobility, and thermodynamic stability) indicates that this missense variant is not expected to disrupt DEAF1 protein function with a negative predictive value of 95%. In summary, the available evidence is currently insufficient to determine the role of this variant in disease. Therefore, it has been classified as a Variant of Uncertain Significance.